The following is an entry in ClinVar:

NM_001148.6(ANK2):c.11435T>G (p.Leu3812Arg)

Gene: ANK2 (ankyrin 2; plus strand). Cytogenetic location: 4q26.
Variant type: single nucleotide variant.
Coding change: c.11435T>G on transcript NM_001148.6 (MANE Select); coding-DNA position 11435, T replaced by G.
Protein change: p.Leu3812Arg; replaces leucine 3812 with arginine.
Molecular consequence: missense variant.
Genome position (GRCh38, 1-based): chr4:113,369,630, T>G. VCF-style: chr4-113369630-T-G. GRCh37 (hg19) VCF-style: chr4-114290786-T-G.
Other names: c.5153T>G, p.Leu1718Arg (NM_001127493.3); c.5192T>G, p.Leu1731Arg (NM_001354225.2); c.5081T>G, p.Leu1694Arg (NM_001354228.2, NM_001354258.2); c.5159T>G, p.Leu1720Arg (NM_001354230.2); c.5222T>G, p.Leu1741Arg (NM_001354231.2, NM_001354242.2); c.5216T>G, p.Leu1739Arg (NM_001354232.2); c.5177T>G, p.Leu1726Arg (NM_001354235.2, NM_001354246.2, NM_001354265.2); c.5078T>G, p.Leu1693Arg (NM_001354236.2); and 35 more; short protein forms L1718R, L3812R, L1632R, L1684R, L1726R, L910R, L1627R, L1649R.
Identifiers: ClinVar variation 519078 (VCV000519078.11), dbSNP rs1554589909, ClinGen allele CA357942717.

ClinVar aggregate classification (germline): Uncertain significance. Review status: criteria provided, multiple submitters, no conflicts (2 of 4 stars). 2 submissions from 2 submitters: Uncertain significance (2). Last evaluated 2025-10-22.

Conditions:
Long QT syndrome (LQTS). Identifiers: MedGen C0023976, MeSH D008133, MONDO:0002442. Disease mechanism: loss of function. Inheritance: Various modes of inheritance.
Cardiovascular phenotype. Identifiers: MedGen CN230736.

Allele frequency attached by ClinVar (database versions not stated): gnomAD exomes below 0.00001; TOPMed below 0.00001; gnomAD 0.00001.
gnomAD v4.1: 2 of 1,613,888 alleles (0.00012%); highest among the groups gnomAD compares: Admixed American, 0.0017%; no homozygotes.

Submissions (2):

Ambry Genetics
Classification: Uncertain significance for Cardiovascular phenotype. Last evaluated: 2025-10-22. Review status: criteria provided, single submitter. Criteria: Ambry Variant Classification Scheme 2023. Collection method: clinical testing. Allele origin: germline.

Labcorp Genetics (formerly Invitae), Labcorp
Classification: Uncertain significance for Long QT syndrome. Last evaluated: 2021-11-05. Review status: criteria provided, single submitter. Criteria: Invitae Variant Classification Sherloc (09022015). Collection method: clinical testing. Allele origin: germline.
Comment: In summary, the available evidence is currently insufficient to determine the role of this variant in disease. Therefore, it has been classified as a Variant of Uncertain Significance. Algorithms developed to predict the effect of missense changes on protein structure and function output the following: SIFT: "Tolerated"; PolyPhen-2: "Possibly Damaging"; Align-GVGD: "Class C0". The arginine amino acid residue is found in multiple mammalian species, which suggests that this missense change does not adversely affect protein function. ClinVar contains an entry for this variant (Variation ID: 519078). This variant has not been reported in the literature in individuals affected with ANK2-related conditions. This variant is not present in population databases (gnomAD no frequency). This sequence change replaces leucine, which is neutral and non-polar, with arginine, which is basic and polar, at codon 3812 of the ANK2 protein (p.Leu3812Arg).